The following is an entry in ClinVar:

NM_001290223.2(DOCK1):c.2791C>T (p.Leu931Phe)

Gene: DOCK1 (dedicator of cytokinesis 1; plus strand). Cytogenetic location: 10q26.2.
Variant type: single nucleotide variant.
Coding change: c.2791C>T on transcript NM_001290223.2 (MANE Select); coding-DNA position 2791, C replaced by T.
Protein change: p.Leu931Phe; replaces leucine 931 with phenylalanine.
Molecular consequence: missense variant.
Genome position (GRCh38, 1-based): chr10:127,127,708, C>T. VCF-style: chr10-127127708-C-T. GRCh37 (hg19) VCF-style: chr10-128925972-C-T.
Other names: c.2728C>T, p.Leu910Phe (NM_001377543.1, NM_001377553.1, NM_001377556.1 and 1 more transcripts); c.2764C>T, p.Leu922Phe (NM_001377544.1); c.2791C>T, p.Leu931Phe (NM_001377546.1, NM_001377561.1); c.2665C>T, p.Leu889Phe (NM_001377547.1); c.2644C>T, p.Leu882Phe (NM_001377548.1); c.2629C>T, p.Leu877Phe (NM_001377550.1); c.2575C>T, p.Leu859Phe (NM_001377554.1); c.2521C>T, p.Leu841Phe (NM_001377558.1); and 1 more; short protein forms L646F, L841F, L859F, L877F, L882F, L889F, L910F, L922F.
Identifiers: ClinVar variation 1333365 (VCV001333365.1), dbSNP rs1288540444, ClinGen allele CA378695192.

ClinVar aggregate classification (germline): Uncertain significance (1 of 4 stars; one submission).

Conditions:
DOCK1-related disorder.

Allele frequency attached by ClinVar (database versions not stated): gnomAD exomes below 0.00001.
gnomAD v4.1: 2 of 1,612,932 alleles (0.00012%); no homozygotes.

Submission:

3billion
Classification: Uncertain significance for DOCK1 related disorder. Last evaluated: 2022-01-03. Review status: criteria provided, single submitter. Criteria: ACMG Guidelines, 2015. Collection method: clinical testing. Allele origin: germline. Affected: yes. Observed: 1 heterozygote.
Comment: The variant not observed in the gnomAD v2.1.1 dataset (PM2_M). In silico tool predictions suggest damaging effect of the variant on gene or gene product (REVEL: 0.642, PP3_P). Therefore, this variant is classified as uncertain significance according to the recommendation of ACMG/AMP guideline.